The following is an entry in ClinVar:

ClinVar aggregate classification (germline): Uncertain significance (0 of 4 stars; one submission).

Conditions:
EP300-related disorder. Also called: EP300-related disorders; EP300-related condition.

Submission:

PreventionGenetics, part of Exact Sciences
Classification: Uncertain significance for EP300-related condition. Last evaluated: 2024-01-04. Review status: no assertion criteria provided. Collection method: clinical testing. Allele origin: germline.
Comment: The EP300 c.2833G>A variant is predicted to result in the amino acid substitution p.Val945Ile. To our knowledge, this variant has not been reported in the literature. This variant is reported in 0.0054% of alleles in individuals of East Asian descent in gnomAD. At this time, the clinical significance of this variant is uncertain due to the absence of conclusive functional and genetic evidence.

NM_001429.4(EP300):c.2833G>A (p.Val945Ile)

Genes: EP300 (E1A binding protein p300; plus strand), LOC126863158 (BRD4-independent group 4 enhancer GRCh37_chr22:41547383-41548582; plus strand). Cytogenetic location: 22q13.2.
Variant type: single nucleotide variant.
Coding change: c.2833G>A on transcript NM_001429.4 (MANE Select); coding-DNA position 2833, G replaced by A.
Protein change: p.Val945Ile; replaces valine 945 with isoleucine.
Molecular consequence: missense variant.
Genome position (GRCh38, 1-based): chr22:41,151,848, G>A. VCF-style: chr22-41151848-G-A. GRCh37 (hg19) VCF-style: chr22-41547852-G-A.
Other names: c.2755G>A, p.Val919Ile (NM_001362843.2); short protein forms V919I, V945I.
Identifiers: ClinVar variation 3356086 (VCV003356086.1).